The following is an entry in ClinVar:

ClinVar aggregate classification (germline): Uncertain significance (1 of 4 stars; one submission).

Conditions:
Catecholaminergic polymorphic ventricular tachycardia (CVPT). Also called: Catecholamine-induced polymorphic ventricular tachycardia. Identifiers: Orphanet 3286, MedGen C5574922, MONDO:0017990.

Submission:

All of Us Research Program, National Institutes of Health
Classification: Uncertain significance for Catecholaminergic polymorphic ventricular tachycardia. Last evaluated: 2023-02-24. Review status: criteria provided, single submitter. Criteria: ACMG Guidelines, 2015. Collection method: clinical testing. Allele origin: germline. Inheritance: Autosomal dominant inheritance. Observed: 1 variant allele, 1 heterozygote.
Comment: This missense variant replaces valine with isoleucine at codon 2174 of the RYR2 protein. Computational prediction is inconclusive regarding the impact of this variant on protein structure and function (internally defined REVEL score threshold 0.5 < inconclusive < 0.7, PMID: 27666373). To our knowledge, functional studies have not been reported for this variant. This variant has not been reported in individuals affected with RYR2-related disorders in the literature. This variant has not been identified in the general population by the Genome Aggregation Database (gnomAD). The available evidence is insufficient to determine the role of this variant in disease conclusively. Therefore, this variant is classified as a Variant of Uncertain Significance.

This study involves interpretation of variants in research participants for the purpose of population health screening. Participant phenotype was not available at the time of variant classification. Additional details can be found in publication PMID: 35346344, PMCID: PMC8962531

NM_001035.3(RYR2):c.6520G>A (p.Val2174Ile)

Gene: RYR2 (ryanodine receptor 2; plus strand). Cytogenetic location: 1q43.
Variant type: single nucleotide variant.
Coding change: c.6520G>A on transcript NM_001035.3 (MANE Select); coding-DNA position 6520, G replaced by A.
Protein change: p.Val2174Ile; replaces valine 2174 with isoleucine.
Molecular consequence: missense variant.
Genome position (GRCh38, 1-based): chr1:237,631,506, G>A. VCF-style: chr1-237631506-G-A. GRCh37 (hg19) VCF-style: chr1-237794806-G-A.
Other names: short protein forms V2174I.
Identifiers: ClinVar variation 3069657 (VCV003069657.1), dbSNP rs1131692321, ClinGen allele CA345413246.
Genomic context (GRCh38, chr1:237,631,506, plus strand): 5'-GTGTTTTACCAGCACCCTAATCTCATGAGGGCACTGGGGATGCACGAGACTGTGATGGAG[G>A]TCATGGTGAACGTCCTTGGAGGTGGAGAGTCCAAGGTAACGTCTTTGATTCCTGAGATGC-3'
Protein context (NP_001026.2, residues 2164-2184): ALGMHETVME[Val2174Ile]MVNVLGGGES